The following is an entry in ClinVar:

NM_182961.4(SYNE1):c.7261T>A (p.Trp2421Arg)

Gene: SYNE1 (spectrin repeat containing nuclear envelope protein 1; minus strand). Cytogenetic location: 6q25.2.
Variant type: single nucleotide variant.
Coding change: c.7261T>A on transcript NM_182961.4 (MANE Select); coding-DNA position 7261, T replaced by A.
Protein change: p.Trp2421Arg; replaces tryptophan 2421 with arginine.
Molecular consequence: missense variant.
Genome position (GRCh38, 1-based): chr6:152,398,708, A>T on the plus strand (T>A on the coding strand, the complement: SYNE1 is on the minus strand). VCF-style: chr6-152398708-A-T. GRCh37 (hg19) VCF-style: chr6-152719843-A-T.
Other names: c.7282T>A, p.Trp2428Arg (NM_033071.5); short protein forms W2421R, W2428R.
Identifiers: ClinVar variation 1306998 (VCV001306998.2), dbSNP rs765978097, ClinGen allele CA366115767.

ClinVar aggregate classification (germline): Uncertain significance (1 of 4 stars; one submission).

Submission:

GeneDx
Classification: Uncertain significance. Last evaluated: 2019-07-15. Review status: criteria provided, single submitter. Criteria: GeneDx Variant Classification Process June 2021. Collection method: clinical testing. Allele origin: germline. Affected: yes.
Comment: Has not been previously published as pathogenic or benign to our knowledge; Not observed in large population cohorts (Lek et al., 2016); In silico analysis, which includes protein predictors and evolutionary conservation, supports a deleterious effect